The following is an entry in ClinVar:

NM_020435.4(GJC2):c.1155del (p.Arg386fs)

Gene: GJC2 (gap junction protein gamma 2; plus strand). Cytogenetic location: 1q42.13.
Variant type: Deletion.
Coding change: c.1155del on transcript NM_020435.4 (MANE Select); coding-DNA position 1155, one base deleted (C; older notation c.1155delC).
Protein change: p.Arg386fs; shifts the reading frame from arginine 386.
Molecular consequence: frameshift variant.
Genome position (GRCh38, 1-based): chr1:228,158,913, C deleted; the last of 6 consecutive C bases (chr1:228,158,908-228,158,913); deleting any one gives the same sequence. VCF-style (leftmost placement, unchanged base first): chr1-228158907-GC-G. GRCh37 (hg19) VCF-style: chr1-228346608-GC-G.
Other names: c.1155del (NM_020435.3); short protein forms R386fs.
Identifiers: ClinVar variation 801629 (VCV000801629.3), dbSNP rs1196278287, ClinGen allele CA529465580.

ClinVar aggregate classification (germline): Conflicting classifications of pathogenicity. Review status: criteria provided, conflicting classifications (1 of 4 stars). 4 submissions from 4 submitters: Likely pathogenic (2); Uncertain significance (2). Last evaluated 2025-09-19.

Conditions:
Leukodystrophy, hypomyelinating, 2. Also called: PELIZAEUS-MERZBACHER-LIKE DISEASE, 1. Identifiers: Orphanet 280270, Orphanet 280282, MedGen C1837355, MONDO:0012125, OMIM 608804.
Hereditary spastic paraplegia 44. Also called: SPASTIC PARAPLEGIA 44, AUTOSOMAL RECESSIVE. Identifiers: Orphanet 320401, MedGen C2750784, MONDO:0013179, OMIM 613206.
Spastic paraplegia. Identifiers: MedGen C0037772, HP:0001258.

Submissions (4):

First Genomix Gene Laboratory, Genetic Diagnostics Department
Classification: Likely pathogenic for Hereditary spastic paraplegia 44; Leukodystrophy, hypomyelinating, 2. Last evaluated: 2025-09-19. Review status: criteria provided, single submitter. Criteria: ACMG Guidelines, 2015. Collection method: clinical testing. Allele origin: germline. Inheritance: Autosomal recessive inheritance. Affected: no. Observed: 1 variant allele.

Labcorp Genetics (formerly Invitae), Labcorp
Classification: Uncertain significance for Spastic paraplegia. Last evaluated: 2025-05-21. Review status: criteria provided, single submitter. Criteria: Invitae Variant Classification Sherloc (09022015). Collection method: clinical testing. Allele origin: germline.
Comment: This sequence change is expected to alter the c-terminus of the GJC2 protein (p.Arg386Glufs*85). While this is not anticipated to result in nonsense mediated decay, it is expected to disrupt the last 54 amino acid(s) of the GJC2 protein and extend the protein by 30 additional amino acid residues. The frequency data for this variant in the population databases is considered unreliable, as metrics indicate poor data quality at this position in the gnomAD database. This variant has not been reported in the literature in individuals affected with GJC2-related conditions. ClinVar contains an entry for this variant (Variation ID: 801629). Experimental studies and prediction algorithms are not available or were not evaluated, and the functional significance of this variant is currently unknown. In summary, the available evidence is currently insufficient to determine the role of this variant in disease. Therefore, it has been classified as a Variant of Uncertain Significance.

GeneDx
Classification: Uncertain significance. Last evaluated: 2024-01-03. Review status: criteria provided, single submitter. Criteria: GeneDx Variant Classification Process June 2021. Collection method: clinical testing. Allele origin: germline. Affected: yes.
Comment: Not observed at significant frequency in large population cohorts (gnomAD); Frameshift variant predicted to result in abnormal protein length as the last 54 amino acids are replaced with 84 different amino acids; Has not been previously published as pathogenic or benign to our knowledge

Mendelics
Classification: Likely pathogenic for Leukodystrophy, hypomyelinating, 2. Last evaluated: 2019-05-28. Review status: criteria provided, single submitter. Criteria: Mendelics Assertion Criteria 2017. Collection method: clinical testing. Allele origin: unknown.